The following is an entry in ClinVar:

ClinVar aggregate classification (germline): Uncertain significance. Review status: criteria provided, multiple submitters, no conflicts (2 of 4 stars). 7 submissions from 7 submitters: Uncertain significance (7). Last evaluated 2024-10-25.

Conditions:
Inborn genetic diseases. Identifiers: MedGen C0950123, MeSH D030342.
Fructose-biphosphatase deficiency (FBP1D). Also called: Fructose-1,6-Bisphosphatase 1 Deficiency; Fructose 1,6 Bisphosphatase Deficiency; Fructose-1,6-Diphosphatase Deficiency. Identifiers: Orphanet 348, MedGen C0016756, MONDO:0009251, OMIM 229700.

Allele frequency attached by ClinVar (database versions not stated): 1000 Genomes Project 30x 0.00016; 1000 Genomes Project 0.00020; ExAC 0.00035; gnomAD exomes 0.00045; TOPMed 0.00049; gnomAD 0.00050 and 0.00052; ESP Exome Variant Server 0.00085.
gnomAD v4.1: 1,073 of 1,614,182 alleles (0.066%); highest among the groups gnomAD compares: Non-Finnish European, 0.083%; 1 homozygote.

Submissions (7):

Labcorp Genetics (formerly Invitae), Labcorp
Classification: Uncertain significance for Fructose-biphosphatase deficiency. Last evaluated: 2024-10-25. Review status: criteria provided, single submitter. Criteria: Invitae Variant Classification Sherloc (09022015). Collection method: clinical testing. Allele origin: germline.
Comment: This sequence change replaces threonine, which is neutral and polar, with methionine, which is neutral and non-polar, at codon 92 of the FBP1 protein (p.Thr92Met). This variant is present in population databases (rs141270413, gnomAD 0.08%), and has an allele count higher than expected for a pathogenic variant. This variant has not been reported in the literature in individuals affected with FBP1-related conditions. ClinVar contains an entry for this variant (Variation ID: 214363). Invitae Evidence Modeling of protein sequence and biophysical properties (such as structural, functional, and spatial information, amino acid conservation, physicochemical variation, residue mobility, and thermodynamic stability) has been performed for this missense variant. However, the output from this modeling did not meet the statistical confidence thresholds required to predict the impact of this variant on FBP1 protein function. In summary, the available evidence is currently insufficient to determine the role of this variant in disease. Therefore, it has been classified as a Variant of Uncertain Significance.

Fulgent Genetics
Classification: Uncertain significance for Fructose-biphosphatase deficiency. Last evaluated: 2024-06-13. Review status: criteria provided, single submitter. Criteria: ACMG Guidelines, 2015. Collection method: clinical testing. Allele origin: germline.

CeGaT Center for Human Genetics Tuebingen
Classification: Uncertain significance. Last evaluated: 2023-03-01. Review status: criteria provided, single submitter. Criteria: CeGaT Center For Human Genetics Tuebingen Variant Classification Criteria Version 2. Collection method: clinical testing. Allele origin: germline. Affected: yes. Observed: 1 variant allele.

GeneDx
Classification: Uncertain significance. Last evaluated: 2022-03-31. Review status: criteria provided, single submitter. Criteria: GeneDx Variant Classification Process June 2021. Collection method: clinical testing. Allele origin: germline. Affected: yes.
Comment: In silico analysis supports that this missense variant has a deleterious effect on protein structure/function; Has not been previously published as pathogenic or benign to our knowledge

Ambry Genetics
Classification: Uncertain significance for Inborn genetic diseases. Last evaluated: 2021-09-01. Review status: criteria provided, single submitter. Criteria: Ambry Variant Classification Scheme 2023. Collection method: clinical testing. Allele origin: germline.

Department of Pathology and Laboratory Medicine, Sinai Health System
Classification: Uncertain significance for Fructose-biphosphatase deficiency. Last evaluated: 2020-05-07. Review status: criteria provided, single submitter. Criteria: ACMG Guidelines, 2015. Collection method: research. Allele origin: germline.

Illumina Laboratory Services, Illumina
Classification: Uncertain significance for Fructose-biphosphatase deficiency. Last evaluated: 2018-01-12. Review status: criteria provided, single submitter. Criteria: ICSL Variant Classification Criteria 13 December 2019. Collection method: clinical testing. Allele origin: germline.

NM_000507.4(FBP1):c.275C>T (p.Thr92Met)

Gene: FBP1 (fructose-bisphosphatase 1; minus strand). Cytogenetic location: 9q22.32.
Variant type: single nucleotide variant.
Coding change: c.275C>T on transcript NM_000507.4 (MANE Select); coding-DNA position 275, C replaced by T.
Protein change: p.Thr92Met; replaces threonine 92 with methionine.
Molecular consequence: missense variant.
Genome position (GRCh38, 1-based): chr9:94,620,387, G>A on the plus strand (C>T on the coding strand, the complement: FBP1 is on the minus strand). VCF-style: chr9-94620387-G-A. GRCh37 (hg19) VCF-style: chr9-97382669-G-A.
Other names: p.T92M:ACG>ATG; c.275C>T, p.Thr92Met (NM_001127628.2); short protein forms T92M.
Identifiers: ClinVar variation 214363 (VCV000214363.42), dbSNP rs141270413, ClinGen allele CA319998.